The following is an entry in ClinVar:

NM_000850.5(GSTM4):c.610C>A (p.Leu204Ile)

Gene: GSTM4 (glutathione S-transferase mu 4; plus strand). Cytogenetic location: 1p13.3.
Variant type: single nucleotide variant.
Coding change: c.610C>A on transcript NM_000850.5 (MANE Select); coding-DNA position 610, C replaced by A.
Protein change: p.Leu204Ile; replaces leucine 204 with isoleucine.
Molecular consequence: missense variant. On other transcripts: non-coding transcript variant (1), intron variant (1).
Genome position (GRCh38, 1-based): chr1:109,661,207, C>A. VCF-style: chr1-109661207-C-A. GRCh37 (hg19) VCF-style: chr1-110203829-C-A.
Other names: c.567+2097C>A (NM_147148.3); short protein forms L204I.
Identifiers: ClinVar variation 4830619 (VCV004830619.1).

ClinVar aggregate classification (germline): Uncertain significance (1 of 4 stars; one submission).

gnomAD v4.1: 16 of 1,611,280 alleles (0.00099%); highest among the groups gnomAD compares: African/African-American, 0.016%; no homozygotes.

Submission:

Ambry Genetics
Classification: Uncertain significance. Last evaluated: 2026-01-21. Review status: criteria provided, single submitter. Criteria: Ambry Variant Classification Scheme 2023. Collection method: clinical testing. Allele origin: germline.
Comment: The c.610C>A (p.L204I) alteration is located in exon 8 (coding exon 8) of the GSTM4 gene. This alteration results from a C to A substitution at nucleotide position 610, causing the leucine (L) at amino acid position 204 to be replaced by an isoleucine (I). Based on data from gnomAD, the A allele has an overall frequency of 0.002% (6/282150) total alleles studied. The highest observed frequency was 0.025% (6/24346) of African alleles. Based on insufficient or conflicting evidence, the clinical significance of this alteration remains unclear.